The following is an entry in ClinVar:

ClinVar aggregate classification (germline): Uncertain significance (1 of 4 stars; one submission).

Submission:

GeneDx
Classification: Uncertain significance. Last evaluated: 2017-11-02. Review status: criteria provided, single submitter. Criteria: GeneDx Variant Classification (06012015). Collection method: clinical testing. Allele origin: germline. Affected: yes.
Comment: The c.607+2delT variant in the MAP3K7 gene has not been reported previously as a pathogenic variant nor as a benign variant, to our knowledge. This splice site variant destroys the canonical splice donor site in intron 6. It is predicted to cause abnormal gene splicing, either leading to an abnormal message that is subject to nonsense-mediated mRNA decay, or to an abnormal protein product if the message is used for protein translation. The c.607+2delT variant is not observed in large population cohorts (Lek et al., 2016). We interpret c.607+2delT as a variant of uncertain significance.

NM_145331.3(MAP3K7):c.607+2del

Gene: MAP3K7 (mitogen-activated protein kinase kinase kinase 7; minus strand). Cytogenetic location: 6q15.
Variant type: Deletion.
Coding change: c.607+2del on transcript NM_145331.3 (MANE Select); the canonical splice donor site of the intron after coding-DNA position 607, one base deleted (T; older notation c.607+2delT).
Molecular consequence: splice donor variant.
Genome position (GRCh38, 1-based): chr6:90,556,498, A deleted on the plus strand (T on the coding strand, the reverse complement: MAP3K7 is on the minus strand). VCF-style (leftmost placement, unchanged base first): chr6-90556497-TA-T. GRCh37 (hg19) VCF-style: chr6-91266216-TA-T.
Other names: c.607+2del (NM_145333.3, NM_003188.4, NM_145332.3).
Identifiers: ClinVar variation 503783 (VCV000503783.2), dbSNP rs1554184543, ClinGen allele CA658796796.
Genomic context (GRCh38, chr6:90,556,497, plus strand): 5'-AAACATATGAATTCACAAGGAGTGAGGGAGATTATCAAACATACCATACTTTTGCCATTT[TA>T]CCTTCAAAAACTTCAGGTGCCATCCAAGCAGCACTCCCCTTGTTATTGGTCATGTGTGTC-3'